The following is an entry in ClinVar:

ClinVar aggregate classification (germline): Uncertain significance. Review status: criteria provided, multiple submitters, no conflicts (2 of 4 stars). 2 submissions from 2 submitters: Uncertain significance (2). Last evaluated 2025-08-20.

Conditions:
Hereditary cancer-predisposing syndrome. Also called: Neoplastic Syndromes, Hereditary; Hereditary Cancer Syndrome; Tumor predisposition; Hereditary neoplastic syndrome. Identifiers: Orphanet 140162, MedGen C0027672, MeSH D009386, MONDO:0015356.

Submissions (2):

Ambry Genetics
Classification: Uncertain significance for Hereditary cancer-predisposing syndrome. Last evaluated: 2025-08-20. Review status: criteria provided, single submitter. Criteria: Ambry Variant Classification Scheme 2023. Collection method: clinical testing. Allele origin: germline.
Comment: The p.S1520N variant (also known as c.4559G>A), located in coding exon 36 of the POLE gene, results from a G to A substitution at nucleotide position 4559. The serine at codon 1520 is replaced by asparagine, an amino acid with highly similar properties. This amino acid position is conserved. In addition, this alteration is predicted to be tolerated by in silico analysis. Based on the available evidence, the clinical significance of this variant remains unclear.

Labcorp Genetics (formerly Invitae), Labcorp
Classification: Uncertain significance. Last evaluated: 2018-06-18. Review status: criteria provided, single submitter. Criteria: Invitae Variant Classification Sherloc (09022015). Collection method: clinical testing. Allele origin: germline.
Comment: In summary, the available evidence is currently insufficient to determine the role of this variant in disease. Therefore, it has been classified as a Variant of Uncertain Significance. Algorithms developed to predict the effect of missense changes on protein structure and function (SIFT, PolyPhen-2, Align-GVGD) all suggest that this variant is likely to be tolerated, but these predictions have not been confirmed by published functional studies and their clinical significance is uncertain. This variant has not been reported in the literature in individuals with POLE-related disease. This variant is present in population databases (rs144045570, ExAC 0.02%). This sequence change replaces serine with asparagine at codon 1520 of the POLE protein (p.Ser1520Asn). The serine residue is moderately conserved and there is a small physicochemical difference between serine and asparagine.

NM_006231.4(POLE):c.4559G>A (p.Ser1520Asn)

Gene: POLE (DNA polymerase epsilon, catalytic subunit; minus strand). Cytogenetic location: 12q24.33.
Variant type: single nucleotide variant.
Coding change: c.4559G>A on transcript NM_006231.4 (MANE Select); coding-DNA position 4559, G replaced by A.
Protein change: p.Ser1520Asn; replaces serine 1520 with asparagine.
Molecular consequence: missense variant.
Genome position (GRCh38, 1-based): chr12:132,642,989, C>T on the plus strand (G>A on the coding strand, the complement: POLE is on the minus strand). VCF-style: chr12-132642989-C-T. GRCh37 (hg19) VCF-style: chr12-133219575-C-T.
Other names: c.4559G>A (NM_006231.2); short protein forms S1520N.
Identifiers: ClinVar variation 582755 (VCV000582755.9), dbSNP rs144045570, ClinGen allele CA6892775.